The following is an entry in ClinVar:

NM_133433.4(NIPBL):c.8170_8172del (p.Ile2724del)

Gene: NIPBL (NIPBL cohesin loading factor; plus strand). Cytogenetic location: 5p13.2.
Variant type: Deletion.
Coding change: c.8170_8172del on transcript NM_133433.4 (MANE Select); coding-DNA positions 8170 to 8172, 3 bases deleted (ATT; older notation c.8170_8172delATT).
Protein change: p.Ile2724del; deletes isoleucine 2724.
Molecular consequence: 3 prime UTR variant (on NM_015384.5).
Genome position (GRCh38, 1-based): chr5:37,064,647-37,064,649, ATT deleted. VCF-style (leftmost placement, unchanged base first): chr5-37064646-AATT-A. GRCh37 (hg19) VCF-style: chr5-37064748-AATT-A.
Other names: c.*624_*626del (NM_015384.5); short protein forms I2724del.
Identifiers: ClinVar variation 3906561 (VCV003906561.1).

ClinVar aggregate classification (germline): Uncertain significance (1 of 4 stars; one submission).

Submission:

GeneDx
Classification: Uncertain significance. Last evaluated: 2024-12-16. Review status: criteria provided, single submitter. Criteria: GeneDx Variant Classification Process June 2021. Collection method: clinical testing. Allele origin: germline. Affected: yes.
Comment: In-frame deletion of 1 amino acid(s) in a non-repeat region; Not observed at significant frequency in large population cohorts (gnomAD); In silico analysis supports a deleterious effect on protein structure/function; Has not been previously published as pathogenic or benign to our knowledge.